The following is an entry in ClinVar:

NM_152641.4(ARID2):c.1057C>T (p.His353Tyr)

Gene: ARID2 (AT-rich interaction domain 2; plus strand). Cytogenetic location: 12q12.
Variant type: single nucleotide variant.
Coding change: c.1057C>T on transcript NM_152641.4 (MANE Select); coding-DNA position 1057, C replaced by T.
Protein change: p.His353Tyr; replaces histidine 353 with tyrosine.
Molecular consequence: missense variant.
Genome position (GRCh38, 1-based): chr12:45,837,354, C>T. VCF-style: chr12-45837354-C-T. GRCh37 (hg19) VCF-style: chr12-46231137-C-T.
Other names: c.1057C>T, p.His353Tyr (NM_001347839.2); short protein forms H353Y.
Identifiers: ClinVar variation 2430313 (VCV002430313.2), dbSNP rs2138130355, ClinGen allele CA384454042.

ClinVar aggregate classification (germline): Uncertain significance (1 of 4 stars; one submission).

Submission:

Centre of Medical Genetics, University Hospital Muenster
Classification: Uncertain significance. Last evaluated: 2022-10-26. Review status: criteria provided, single submitter. Criteria: ACMG Guidelines, 2015. Collection method: clinical testing. Allele origin: unknown. Affected: yes. Observed: 1 variant allele, 1 heterozygote.
Comment: ACMG categories: PM2